The following is an entry in ClinVar:

ClinVar aggregate classification (germline): Likely benign (0 of 4 stars; one submission).

Conditions:
TRIM55-related disorder. Also called: TRIM55-related condition.

Allele frequency attached by ClinVar (database versions not stated): 1000 Genomes Project 0.00040; 1000 Genomes Project 30x 0.00047; ESP Exome Variant Server 0.00062; ExAC 0.00066; gnomAD 0.00066; TOPMed 0.00070; gnomAD exomes 0.00132.
gnomAD v4.1: 2,003 of 1,614,086 alleles (0.12%); highest among the groups gnomAD compares: Non-Finnish European, 0.16%; 3 homozygotes.

Submission:

PreventionGenetics, part of Exact Sciences
Classification: Likely benign for TRIM55-related condition. Last evaluated: 2019-08-09. Review status: no assertion criteria provided. Collection method: clinical testing. Allele origin: germline.
Comment: This variant is classified as likely benign based on ACMG/AMP sequence variant interpretation guidelines (Richards et al. 2015 PMID: 25741868, with internal and published modifications).

NM_184085.2(TRIM55):c.9A>G (p.Ala3=)

Gene: TRIM55 (tripartite motif containing 55; plus strand). Cytogenetic location: 8q13.1.
Variant type: single nucleotide variant.
Coding change: c.9A>G on transcript NM_184085.2 (MANE Select); coding-DNA position 9, A replaced by G.
Protein change: p.Ala3=; no amino-acid change (alanine 3 retained).
Molecular consequence: synonymous variant.
Genome position (GRCh38, 1-based): chr8:66,127,277, A>G. VCF-style: chr8-66127277-A-G. GRCh37 (hg19) VCF-style: chr8-67039512-A-G.
Other names: c.9A>G, p.Ala3= (NM_033058.3, NM_184086.2, NM_184087.2).
Identifiers: ClinVar variation 3035174 (VCV003035174.2), dbSNP rs144869282, ClinGen allele CA4765554.